The following is an entry in ClinVar:

ClinVar aggregate classification (germline): Uncertain significance (1 of 4 stars; one submission).

Conditions:
Bethlem myopathy 1A. Also called: Bethlem Muscular Dystrophy; Bethlem myopathy 1; MYOPATHY, BENIGN CONGENITAL, WITH CONTRACTURES. Identifiers: Orphanet 610, MedGen CN029274, MONDO:0024530, OMIM 158810.

Submission:

Labcorp Genetics (formerly Invitae), Labcorp
Classification: Uncertain significance for Bethlem myopathy 1A. Last evaluated: 2018-09-03. Review status: criteria provided, single submitter. Criteria: Invitae Variant Classification Sherloc (09022015). Collection method: clinical testing. Allele origin: germline.
Comment: This sequence change replaces threonine with asparagine at codon 204 of the COL6A3 protein (p.Thr204Asn). The threonine residue is weakly conserved and there is a small physicochemical difference between threonine and asparagine. This variant is not present in population databases (ExAC no frequency). This variant has not been reported in the literature in individuals with COL6A3-related disease. Algorithms developed to predict the effect of missense changes on protein structure and function are either unavailable or do not agree on the potential impact of this missense change (SIFT: "Tolerated"; PolyPhen-2: "Probably Damaging"; Align-GVGD: "Class C0"). In summary, the available evidence is currently insufficient to determine the role of this variant in disease. Therefore, it has been classified as a Variant of Uncertain Significance.

NM_004369.4(COL6A3):c.611C>A (p.Thr204Asn)

Gene: COL6A3 (collagen type VI alpha 3 chain; minus strand). Cytogenetic location: 2q37.3.
Variant type: single nucleotide variant.
Coding change: c.611C>A on transcript NM_004369.4 (MANE Select); coding-DNA position 611, C replaced by A.
Protein change: p.Thr204Asn; replaces threonine 204 with asparagine.
Molecular consequence: missense variant. On other transcripts: intron variant (4).
Genome position (GRCh38, 1-based): chr2:237,394,685, G>T on the plus strand (C>A on the coding strand, the complement: COL6A3 is on the minus strand). VCF-style: chr2-237394685-G-T. GRCh37 (hg19) VCF-style: chr2-238303328-G-T.
Other names: c.91+2042C>A (NM_057166.5, NM_057167.4, NM_057164.5 and 1 more transcripts); short protein forms T204N.
Identifiers: ClinVar variation 653149 (VCV000653149.9), dbSNP rs1574755113, ClinGen allele CA351226656.
Genomic context (GRCh38, chr2:237,394,685, plus strand): 5'-TCTGGACTCACGGATGAATGCACACAGGACACTAAGTTTCCTACTATGTCATGAAGTGAG[G>T]TAAAATTCTCTAGGTTGAACATATGCATATTGAGCGGTTCACTTGCTATTTCTTTTAACG-3'
Protein context (NP_004360.2, residues 194-214): NMHMFNLENF[Thr204Asn]SLHDIVGNLV